The following is an entry in ClinVar:

ClinVar aggregate classification (germline): Uncertain significance (1 of 4 stars; one submission).

Submission:

Labcorp Genetics (formerly Invitae), Labcorp
Classification: Uncertain significance. Last evaluated: 2023-03-29. Review status: criteria provided, single submitter. Criteria: Invitae Variant Classification Sherloc (09022015). Collection method: clinical testing. Allele origin: germline.
Comment: In summary, the available evidence is currently insufficient to determine the role of this variant in disease. Therefore, it has been classified as a Variant of Uncertain Significance. Algorithms developed to predict the effect of sequence changes on RNA splicing suggest that this variant may disrupt the consensus splice site. This variant has not been reported in the literature in individuals affected with PSMA3-related conditions. This variant is not present in population databases (gnomAD no frequency). This sequence change affects codon 141 of the PSMA3 mRNA. It is a 'silent' change, meaning that it does not change the encoded amino acid sequence of the PSMA3 protein.

NM_002788.4(PSMA3):c.423C>T (p.Tyr141=)

Gene: PSMA3 (proteasome 20S subunit alpha 3; plus strand). Cytogenetic location: 14q23.1.
Variant type: single nucleotide variant.
Coding change: c.423C>T on transcript NM_002788.4 (MANE Select); coding-DNA position 423, C replaced by T.
Protein change: p.Tyr141=; no amino-acid change (tyrosine 141 retained).
Molecular consequence: synonymous variant. On other transcripts: non-coding transcript variant (1), intron variant (1).
Genome position (GRCh38, 1-based): chr14:58,260,966, C>T. VCF-style: chr14-58260966-C-T. GRCh37 (hg19) VCF-style: chr14-58727684-C-T.
Other names: c.405-3C>T (NM_152132.3).
Identifiers: ClinVar variation 2797848 (VCV002797848.3), dbSNP rs2502955278, ClinGen allele CA486524121.